The following is an entry in ClinVar:

NM_006904.7(PRKDC):c.3071C>G (p.Thr1024Ser)

Gene: PRKDC (protein kinase, DNA-activated, catalytic subunit; minus strand). Cytogenetic location: 8q11.21.
Variant type: single nucleotide variant.
Coding change: c.3071C>G on transcript NM_006904.7 (MANE Select); coding-DNA position 3071, C replaced by G.
Protein change: p.Thr1024Ser; replaces threonine 1024 with serine.
Molecular consequence: missense variant.
Genome position (GRCh38, 1-based): chr8:47,902,767, G>C on the plus strand (C>G on the coding strand, the complement: PRKDC is on the minus strand). VCF-style: chr8-47902767-G-C. GRCh37 (hg19) VCF-style: chr8-48815327-G-C.
Other names: c.3071C>G, p.Thr1024Ser (NM_001081640.2); short protein forms T1024S.
Identifiers: ClinVar variation 2006397 (VCV002006397.6), dbSNP rs375650488, ClinGen allele CA176154189.

ClinVar aggregate classification (germline): Uncertain significance. Review status: criteria provided, multiple submitters, no conflicts (2 of 4 stars). 2 submissions from 2 submitters: Uncertain significance (2). Last evaluated 2022-11-25.

Conditions:
Severe combined immunodeficiency due to DNA-PKcs deficiency. Also called: IMMUNODEFICIENCY 26 WITH NEUROLOGIC ABNORMALITIES; Immunodeficiency 26 with or without neurologic abnormalities. Identifiers: Orphanet 317425, MedGen C4014833, MONDO:0014423, OMIM 615966.

Submissions (2):

Ambry Genetics
Classification: Uncertain significance. Last evaluated: 2022-11-25. Review status: criteria provided, single submitter. Criteria: Ambry Variant Classification Scheme 2023. Collection method: clinical testing. Allele origin: germline.
Comment: The p.T1024S variant (also known as c.3071C>G), located in coding exon 27 of the PRKDC gene, results from a C to G substitution at nucleotide position 3071. The threonine at codon 1024 is replaced by serine, an amino acid with similar properties. This amino acid position is conserved. In addition, this alteration is predicted to be tolerated by in silico analysis. Since supporting evidence is limited at this time, the clinical significance of this alteration remains unclear.

Labcorp Genetics (formerly Invitae), Labcorp
Classification: Uncertain significance for Severe combined immunodeficiency due to DNA-PKcs deficiency. Last evaluated: 2022-11-14. Review status: criteria provided, single submitter. Criteria: Invitae Variant Classification Sherloc (09022015). Collection method: clinical testing. Allele origin: germline.
Comment: In summary, the available evidence is currently insufficient to determine the role of this variant in disease. Therefore, it has been classified as a Variant of Uncertain Significance. This sequence change replaces threonine, which is neutral and polar, with serine, which is neutral and polar, at codon 1024 of the PRKDC protein (p.Thr1024Ser). This variant is not present in population databases (gnomAD no frequency). This variant has not been reported in the literature in individuals affected with PRKDC-related conditions. Advanced modeling of protein sequence and biophysical properties (such as structural, functional, and spatial information, amino acid conservation, physicochemical variation, residue mobility, and thermodynamic stability) performed at Invitae indicates that this missense variant is not expected to disrupt PRKDC protein function.